The following is an entry in ClinVar:

ClinVar aggregate classification (germline): Uncertain significance. Review status: criteria provided, multiple submitters, no conflicts (2 of 4 stars). 3 submissions from 3 submitters: Uncertain significance (2). 1 of the submissions does not count toward it. Last evaluated 2024-12-06.

Conditions:
Inborn genetic diseases. Identifiers: MedGen C0950123, MeSH D030342.
Amyotrophic lateral sclerosis type 1 (ALS1). Also called: AMYOTROPHIC LATERAL SCLEROSIS 1, FAMILIAL. Identifiers: Orphanet 803, MedGen C1862939, MONDO:0007103, OMIM 105400.
Perry syndrome. Also called: PARKINSONISM WITH ALVEOLAR HYPOVENTILATION AND MENTAL DEPRESSION. Identifiers: Orphanet 178509, MedGen C1868594, MONDO:0008201, OMIM 168605.
Neuronopathy, distal hereditary motor, type 7B. Also called: Distal Hereditary Motor Neuronopathy Type 7B (dHMN7B); NEURONOPATHY, DISTAL HEREDITARY MOTOR, AUTOSOMAL DOMINANT 14; NEURONOPATHY, DISTAL HEREDITARY MOTOR, HARDING TYPE VIIB; NEUROPATHY, DISTAL HEREDITARY MOTOR, HARDING TYPE VIIB; NEUROPATHY, DISTAL HEREDITARY MOTOR, WITH VOCAL CORD PARALYSIS, HARDING TYPE VIIB; HMN VIIB. Identifiers: Orphanet 139589, MedGen C1843315, MONDO:0011879, OMIM 607641.

Allele frequency attached by ClinVar (database versions not stated): gnomAD exomes 0.00001; TOPMed 0.00001; ExAC 0.00002; gnomAD 0.00001.
gnomAD v4.1: 6 of 1,614,008 alleles (0.00037%); highest among the groups gnomAD compares: Non-Finnish European, 0.00051%; no homozygotes.

Submissions (3):

Labcorp Genetics (formerly Invitae), Labcorp
Classification: Uncertain significance for Amyotrophic lateral sclerosis type 1; Neuronopathy, distal hereditary motor, type 7B; Perry syndrome. Last evaluated: 2024-12-06. Review status: criteria provided, single submitter. Criteria: Invitae Variant Classification Sherloc (09022015). Collection method: clinical testing. Allele origin: germline.
Comment: This sequence change replaces valine, which is neutral and non-polar, with methionine, which is neutral and non-polar, at codon 1248 of the DCTN1 protein (p.Val1248Met). This variant is present in population databases (rs752784218, gnomAD 0.002%). This variant has not been reported in the literature in individuals affected with DCTN1-related conditions. ClinVar contains an entry for this variant (Variation ID: 941160). Invitae Evidence Modeling of protein sequence and biophysical properties (such as structural, functional, and spatial information, amino acid conservation, physicochemical variation, residue mobility, and thermodynamic stability) indicates that this missense variant is not expected to disrupt DCTN1 protein function with a negative predictive value of 95%. In summary, the available evidence is currently insufficient to determine the role of this variant in disease. Therefore, it has been classified as a Variant of Uncertain Significance.

Ambry Genetics
Classification: Uncertain significance for Inborn genetic diseases. Last evaluated: 2022-03-22. Review status: criteria provided, single submitter. Criteria: Ambry Variant Classification Scheme 2023. Collection method: clinical testing. Allele origin: germline.
Comment: The p.V1248M variant (also known as c.3742G>A), located in coding exon 32 of the DCTN1 gene, results from a G to A substitution at nucleotide position 3742. The valine at codon 1248 is replaced by methionine, an amino acid with highly similar properties. This amino acid position is conserved. In addition, the in silico prediction for this alteration is inconclusive. Since supporting evidence is limited at this time, the clinical significance of this alteration remains unclear.

Institute of Human Genetics, University of Goettingen
Classification: Uncertain significance for Neuronopathy, distal hereditary motor, type 7B. Last evaluated: 2021-06-04. Review status: no assertion criteria provided. Collection method: clinical testing. Allele origin: unknown. Inheritance: Sporadic. Affected: yes. Not counted in ClinVar's aggregate classification.

NM_004082.5(DCTN1):c.3742G>A (p.Val1248Met)

Gene: DCTN1 (dynactin subunit 1; minus strand). Cytogenetic location: 2p13.1.
Variant type: single nucleotide variant.
Coding change: c.3742G>A on transcript NM_004082.5 (MANE Select); coding-DNA position 3742, G replaced by A.
Protein change: p.Val1248Met; replaces valine 1248 with methionine.
Molecular consequence: missense variant. On other transcripts: non-coding transcript variant (1).
Genome position (GRCh38, 1-based): chr2:74,361,594, C>T on the plus strand (G>A on the coding strand, the complement: DCTN1 is on the minus strand). VCF-style: chr2-74361594-C-T. GRCh37 (hg19) VCF-style: chr2-74588721-C-T.
Other names: c.3667G>A, p.Val1223Met (NM_001135040.3); c.3325G>A, p.Val1109Met (NM_001135041.3); c.3616G>A, p.Val1206Met (NM_001190836.2); c.3721G>A, p.Val1241Met (NM_001190837.2); c.3691G>A, p.Val1231Met (NM_001378991.1); c.3673G>A, p.Val1225Met (NM_001378992.1); c.3340G>A, p.Val1114Met (NM_023019.4); short protein forms V1114M, V1231M, V1206M, V1225M, V1109M, V1223M, V1241M, V1248M.
Identifiers: ClinVar variation 941160 (VCV000941160.15), dbSNP rs752784218, ClinGen allele CA1721359.
Genomic context (GRCh38, chr2:74,361,594, plus strand): 5'-GCTCCTGGGTCAGCACCAGCCGGTGTCGCTGTCCAAAACCAGCCGCACATGAGAAGGTCA[C>T]TTTGCCCATGTAGACTGTGTCATCCTGCTGCTCCTCCTTGGCCTGGTGGTTGATGAGGAG-3'
Protein context (NP_004073.2, residues 1238-1258): QQDDTVYMGK[Val1248Met]TFSCAAGFGQ